The following is an entry in ClinVar:

ClinVar aggregate classification (germline): Conflicting classifications of pathogenicity. Review status: criteria provided, conflicting classifications (1 of 4 stars). 4 submissions from 4 submitters: Uncertain significance (3); Likely benign (1). Last evaluated 2024-11-27.

Conditions:
Primary ciliary dyskinesia 23 (CILD23). Also called: CILIARY DYSKINESIA, PRIMARY, 23, WITH OR WITHOUT SITUS INVERSUS. Identifiers: Orphanet 244, MedGen C3809548, MONDO:0014193, OMIM 615451.
Primary ciliary dyskinesia. Also called: Ciliary dyskinesia. Identifiers: Orphanet 244, MedGen C0008780, MONDO:0016575, HP:0012265.

Allele frequency attached by ClinVar (database versions not stated): 1000 Genomes Project 30x 0.00031; 1000 Genomes Project 0.00040; ExAC 0.00069; gnomAD exomes 0.00072 and 0.00137; gnomAD 0.00080 and 0.00083; TOPMed 0.00081; ESP Exome Variant Server 0.00131.
gnomAD v4.1: 2,097 of 1,614,148 alleles (0.13%); highest among the groups gnomAD compares: Non-Finnish European, 0.17%; 1 homozygote.

Submissions (4):

Blueprint Genetics
Classification: Uncertain significance. Last evaluated: 2024-11-27. Review status: criteria provided, single submitter. Criteria: ACMG Guidelines, 2015. Collection method: clinical testing. Allele origin: germline.

Ambry Genetics
Classification: Likely benign for Primary ciliary dyskinesia. Last evaluated: 2022-11-22. Review status: criteria provided, single submitter. Criteria: Ambry Variant Classification Scheme 2023. Collection method: clinical testing. Allele origin: germline.

Labcorp Genetics (formerly Invitae), Labcorp
Classification: Uncertain significance for Primary ciliary dyskinesia 23. Last evaluated: 2022-10-13. Review status: criteria provided, single submitter. Criteria: Invitae Variant Classification Sherloc (09022015). Collection method: clinical testing. Allele origin: germline.
Comment: This sequence change replaces valine, which is neutral and non-polar, with methionine, which is neutral and non-polar, at codon 979 of the ARMC4 protein (p.Val979Met). This variant is present in population databases (rs150655393, gnomAD 0.1%), and has an allele count higher than expected for a pathogenic variant. This variant has not been reported in the literature in individuals affected with ARMC4-related conditions. ClinVar contains an entry for this variant (Variation ID: 412246). Algorithms developed to predict the effect of missense changes on protein structure and function are either unavailable or do not agree on the potential impact of this missense change (SIFT: "Deleterious"; PolyPhen-2: "Probably Damaging"; Align-GVGD: "Class C0"). In summary, the available evidence is currently insufficient to determine the role of this variant in disease. Therefore, it has been classified as a Variant of Uncertain Significance.

Fulgent Genetics
Classification: Uncertain significance for Primary ciliary dyskinesia 23. Last evaluated: 2021-11-11. Review status: criteria provided, single submitter. Criteria: ACMG Guidelines, 2015. Collection method: clinical testing. Allele origin: unknown.

NM_018076.5(ODAD2):c.2935G>A (p.Val979Met)

Gene: ODAD2 (outer dynein arm docking complex subunit 2; minus strand). Cytogenetic location: 10p12.1.
Variant type: single nucleotide variant.
Coding change: c.2935G>A on transcript NM_018076.5 (MANE Select); coding-DNA position 2935, G replaced by A.
Protein change: p.Val979Met; replaces valine 979 with methionine.
Molecular consequence: missense variant.
Genome position (GRCh38, 1-based): chr10:27,860,711, C>T on the plus strand (G>A on the coding strand, the complement: ODAD2 is on the minus strand). VCF-style: chr10-27860711-C-T. GRCh37 (hg19) VCF-style: chr10-28149640-C-T.
Other names: c.2935G>A, p.Val979Met (NM_001290020.2); c.1510G>A, p.Val504Met (NM_001290021.2); c.2011G>A, p.Val671Met (NM_001312689.2); short protein forms V979M, V504M, V671M.
Identifiers: ClinVar variation 412246 (VCV000412246.18), dbSNP rs150655393, ClinGen allele CA5453063.